The following is an entry in ClinVar:

ClinVar aggregate classification (germline): Conflicting classifications of pathogenicity. Review status: criteria provided, conflicting classifications (1 of 4 stars). 5 submissions from 5 submitters: Likely pathogenic (3); Uncertain significance (1). 1 of the submissions does not count toward it. Last evaluated 2023-08-01.

Conditions:
KCNQ1-related disorder. Also called: KCNQ1-related condition; KCNQ1-related disorders. Identifiers: MedGen CN239322.
Familial long QT syndrome (RWS). Also called: Congenital long QT syndrome; Romano-Ward syndrome; VENTRICULAR FIBRILLATION WITH PROLONGED QT INTERVAL. Identifiers: Orphanet 768, MedGen C1141890, MONDO:0019171.
Long QT syndrome (LQTS). Identifiers: MedGen C0023976, MeSH D008133, MONDO:0002442. Disease mechanism: loss of function. Inheritance: Various modes of inheritance.
Long QT syndrome 1 (LQT1). Identifiers: Orphanet 101016, Orphanet 768, MedGen C4551647, MONDO:0100316, OMIM 192500, MONDO:0008646.

Allele frequency attached by ClinVar (database versions not stated): gnomAD exomes below 0.00001.

Submissions (5):

Molecular Genetics Laboratory - Cardiogenetics, CHU de Nantes
Classification: Likely pathogenic for Long QT syndrome 1. Last evaluated: 2023-08-01. Review status: criteria provided, single submitter. Criteria: ACMG Guidelines, 2015. Collection method: clinical testing. Allele origin: germline. Affected: yes.

Labcorp Genetics (formerly Invitae), Labcorp
Classification: Uncertain significance for Long QT syndrome. Last evaluated: 2022-04-15. Review status: criteria provided, single submitter. Criteria: Invitae Variant Classification Sherloc (09022015). Collection method: clinical testing. Allele origin: germline.
Comment: In summary, the available evidence is currently insufficient to determine the role of this variant in disease. Therefore, it has been classified as a Variant of Uncertain Significance. Experimental studies have shown that this missense change affects KCNQ1 function (PMID: 15498462, 20368164, 25705178). Algorithms developed to predict the effect of missense changes on protein structure and function (SIFT, PolyPhen-2, Align-GVGD) all suggest that this variant is likely to be disruptive. ClinVar contains an entry for this variant (Variation ID: 53134). This variant is also known as KVLQT1 p.T182I. This missense change has been observed in individual(s) with clinical features of long QT syndrome (PMID: 9482580, 14678125). This variant is present in population databases (rs199472746, gnomAD 0.006%). This sequence change replaces threonine, which is neutral and polar, with isoleucine, which is neutral and non-polar, at codon 311 of the KCNQ1 protein (p.Thr311Ile).

Victorian Clinical Genetics Services, Murdoch Childrens Research Institute
Classification: Likely pathogenic for Long QT syndrome 1. Last evaluated: 2022-02-02. Review status: criteria provided, single submitter. Criteria: ACMG Guidelines, 2015. Collection method: clinical testing. Allele origin: germline. Inheritance: Autosomal dominant inheritance. Affected: yes.
Comment: Based on the classification scheme VCGS_Germline_v1.3.4, this variant is classified as Likely pathogenic. Following criteria are met: 0103 - Dominant negative, loss of function and gain of function are known mechanisms of disease in this gene. Gain of function variants result exclusively in short QT syndrome (MIM#609621), while dominant negative and loss of function variants can cause long QT syndrome (LQTS, MIM#192500), atrial fibrillation (MIM#607554) and Jervell and Lange-Nielsen syndrome (JLNS, MIM#220400) (OMIM, PMIDs: 19632626, 28438721). (I) 0108 - This gene is known to be associated with both recessive and dominant disease. JLNS is characterized by congenital, bilateral deafness and variable degrees of QT prolongation, and is the only condition caused by biallelic variants (PMID: 28438721). (I) 0112 - The condition associated with this gene has incomplete penetrance (OMIM, PMID: 20301308). (I) 0200 - Variant is predicted to result in a missense amino acid change from threonine to isoleucine. (I) 0251 - This variant is heterozygous. (I) 0302 - Variant is present in gnomAD (v2) <0.001 for a dominant condition (1 heterozygote, 0 homozygotes). (SP) 0501 - Missense variant consistently predicted to be damaging by multiple in silico tools or highly conserved with a major amino acid change. (SP) 0601 - Variant is located in the well-established functional ion transporter domain (pore) (DECIPHER). (SP) 0703 - Other missense variants comparable to the one identified in this case have moderate previous evidence for pathogenicity. These alternative changes (p.(Thr311Ala, p.(Thr311Leu)) have been reported in at least two individuals with long QT syndrome (LQTS) (LOVD, PMID: 20541041, PMID: 15733182). (SP) 0803 - This variant has limited previous evidence of pathogenicity in unrelated individuals. This variant has been observed in at least two unrelated individuals with LQTS (LOVD, PMID: 9482580, PMID: 10973849, PMID: 14678125). (SP) 0903 - This variant has limited evidence for segregation with disease, where it was found in three affected relatives with LQTS (PMID: 9482580). (SP) 1002 - This variant has moderate functional evidence supporting abnormal protein function. Whole cell patch clamp studies of transfected CHO cells have demonstrated impaired current. However, the biological significance of this study is uncertain (PMID: 25705178). (I) 1208 - Inheritance information for this variant is not currently available in this individual. (I) Legend: (SP) - Supporting pathogenic, (I) - Information, (SB) - Supporting benign

Blueprint Genetics
Classification: Likely pathogenic for KCNQ1-related disorders. Last evaluated: 2021-10-20. Review status: criteria provided, single submitter. Criteria: ACMG Guidelines, 2015. Collection method: clinical testing. Allele origin: germline. Affected: yes. Observed: 1 variant allele.

Cardiovascular Biomedical Research Unit, Royal Brompton & Harefield NHS Foundation Trust
No classification provided. Condition: Familial long QT syndrome. Review status: no classification provided. Collection method: literature only. Allele origin: germline. Not counted in ClinVar's aggregate classification.
Comment: This variant has been reported as associated with Long QT syndrome in the following publications (PMID:9482580;PMID:14678125). This is a literature report, and does not necessarily reflect the clinical interpretation of the Imperial College / Royal Brompton Cardiovascular Genetics laboratory.

Literature cited by the submitters: PubMed 15498462 (cited by Labcorp Genetics (formerly Invitae), Labcorp); PubMed 20368164 (cited by Labcorp Genetics (formerly Invitae), Labcorp); PubMed 25705178 (cited by Labcorp Genetics (formerly Invitae), Labcorp and Victorian Clinical Genetics Services, Murdoch Childrens Research Institute); PubMed 9482580 (cited by 3 submitters); PubMed 14678125 (cited by 3 submitters); PubMed 10973849 (cited by Victorian Clinical Genetics Services, Murdoch Childrens Research Institute); PubMed 15733182 (cited by Victorian Clinical Genetics Services, Murdoch Childrens Research Institute); PubMed 19632626 (cited by Victorian Clinical Genetics Services, Murdoch Childrens Research Institute); PubMed 20301308 (cited by Victorian Clinical Genetics Services, Murdoch Childrens Research Institute); PubMed 20541041 (cited by Victorian Clinical Genetics Services, Murdoch Childrens Research Institute); PubMed 28438721 (cited by Victorian Clinical Genetics Services, Murdoch Childrens Research Institute); PubMed 22581653 (cited by Cardiovascular Biomedical Research Unit, Royal Brompton & Harefield NHS Foundation Trust).

NM_000218.3(KCNQ1):c.932C>T (p.Thr311Ile)

Gene: KCNQ1 (potassium voltage-gated channel subfamily Q member 1; plus strand). Cytogenetic location: 11p15.5.
Variant type: single nucleotide variant.
Coding change: c.932C>T on transcript NM_000218.3 (MANE Select); coding-DNA position 932, C replaced by T.
Protein change: p.Thr311Ile; replaces threonine 311 with isoleucine.
Molecular consequence: missense variant.
Genome position (GRCh38, 1-based): chr11:2,583,445, C>T. VCF-style: chr11-2583445-C-T. GRCh37 (hg19) VCF-style: chr11-2604675-C-T.
Other names: c.932C>T (LRG_287t1); c.932C>T, p.Thr311Ile (NM_001406836.1); c.662C>T, p.Thr221Ile (NM_001406837.1); c.488C>T, p.Thr163Ile (NM_001406838.1); c.551C>T, p.Thr184Ile (NM_181798.2); short protein forms T311I, T184I, T163I, T221I.
Identifiers: ClinVar variation 53134 (VCV000053134.11), dbSNP rs199472746, ClinGen allele CA008752.